The following is an entry in ClinVar:

ClinVar aggregate classification (germline): Uncertain significance (1 of 4 stars; one submission).

Conditions:
Neuronal ceroid lipofuscinosis. Also called: Neuronal Ceroid Lipofuscinoses. Identifiers: Orphanet 216, Orphanet 79263, MedGen C0027877, MONDO:0016295. Disease mechanism: loss of function.

Allele frequency attached by ClinVar (database versions not stated): gnomAD exomes below 0.00001; ExAC 0.00001; gnomAD 0.00001; 1000 Genomes Project 30x 0.00016; 1000 Genomes Project 0.00020.
gnomAD v4.1: 1 of 1,614,038 alleles (0.000062%); highest among the groups gnomAD compares: East Asian, 0.0022%; no homozygotes.

Submission:

Labcorp Genetics (formerly Invitae), Labcorp
Classification: Uncertain significance for Neuronal ceroid lipofuscinosis. Last evaluated: 2019-02-25. Review status: criteria provided, single submitter. Criteria: Invitae Variant Classification Sherloc (09022015). Collection method: clinical testing. Allele origin: germline.
Comment: This sequence change replaces histidine with tyrosine at codon 43 of the CLN8 protein (p.His43Tyr). The histidine residue is highly conserved and there is a moderate physicochemical difference between histidine and tyrosine. This variant is present in population databases (rs541840243, ExAC 0.01%). This variant has not been reported in the literature in individuals with CLN8-related disease. Algorithms developed to predict the effect of missense changes on protein structure and function are either unavailable or do not agree on the potential impact of this missense change (SIFT: Deleterious; PolyPhen-2: Possibly Damaging; Align-GVGD: Class C0). In summary, the available evidence is currently insufficient to determine the role of this variant in disease. Therefore, it has been classified as a Variant of Uncertain Significance.

NM_018941.4(CLN8):c.127C>T (p.His43Tyr)

Gene: CLN8 (CLN8 transmembrane ER and ERGIC protein; plus strand). Cytogenetic location: 8p23.3.
Variant type: single nucleotide variant.
Coding change: c.127C>T on transcript NM_018941.4 (MANE Select); coding-DNA position 127, C replaced by T.
Protein change: p.His43Tyr; replaces histidine 43 with tyrosine.
Molecular consequence: missense variant.
Genome position (GRCh38, 1-based): chr8:1,771,181, C>T. VCF-style: chr8-1771181-C-T. GRCh37 (hg19) VCF-style: chr8-1719347-C-T.
Other names: short protein forms H43Y.
Identifiers: ClinVar variation 658075 (VCV000658075.3), dbSNP rs541840243, ClinGen allele CA4599206.